The following is an entry in ClinVar:

NM_000051.4(ATM):c.1967C>G (p.Thr656Ser)

Gene: ATM (ATM serine/threonine kinase; plus strand). Cytogenetic location: 11q22.3.
Variant type: single nucleotide variant.
Coding change: c.1967C>G on transcript NM_000051.4 (MANE Select); coding-DNA position 1967, C replaced by G.
Protein change: p.Thr656Ser; replaces threonine 656 with serine.
Molecular consequence: missense variant.
Genome position (GRCh38, 1-based): chr11:108,253,882, C>G. VCF-style: chr11-108253882-C-G. GRCh37 (hg19) VCF-style: chr11-108124609-C-G.
Other names: c.1967C>G, p.Thr656Ser (NM_001351834.2); short protein forms T656S.
Identifiers: ClinVar variation 3720440 (VCV003720440.2).

ClinVar aggregate classification (germline): Uncertain significance (1 of 4 stars; one submission).

Conditions:
Ataxia-telangiectasia syndrome (AT). Also called: ATAXIA-TELANGIECTASIA, COMPLEMENTATION GROUP A; ATAXIA-TELANGIECTASIA, FRESNO VARIANT; Ataxia-telangiectasia; Ataxia-telangiectasia, complementation group E; Ataxia telangiectasia (A-T); LOUIS-BAR SYNDROME. Identifiers: Orphanet 100, MedGen C0004135, MONDO:0008840, OMIM 208900.

Submission:

Labcorp Genetics (formerly Invitae), Labcorp
Classification: Uncertain significance for Ataxia-telangiectasia syndrome. Last evaluated: 2024-11-11. Review status: criteria provided, single submitter. Criteria: Invitae Variant Classification Sherloc (09022015). Collection method: clinical testing. Allele origin: germline.
Comment: This sequence change replaces threonine, which is neutral and polar, with serine, which is neutral and polar, at codon 656 of the ATM protein (p.Thr656Ser). This variant is not present in population databases (gnomAD no frequency). This variant has not been reported in the literature in individuals affected with ATM-related conditions. Invitae Evidence Modeling of protein sequence and biophysical properties (such as structural, functional, and spatial information, amino acid conservation, physicochemical variation, residue mobility, and thermodynamic stability) indicates that this missense variant is not expected to disrupt ATM protein function with a negative predictive value of 95%. In summary, the available evidence is currently insufficient to determine the role of this variant in disease. Therefore, it has been classified as a Variant of Uncertain Significance.